The following is an entry in ClinVar:

NM_001369.3(DNAH5):c.9322G>C (p.Gly3108Arg)

Gene: DNAH5 (dynein axonemal heavy chain 5; minus strand). Cytogenetic location: 5p15.2.
Variant type: single nucleotide variant.
Coding change: c.9322G>C on transcript NM_001369.3 (MANE Select); coding-DNA position 9322, G replaced by C.
Protein change: p.Gly3108Arg; replaces glycine 3108 with arginine.
Molecular consequence: missense variant.
Genome position (GRCh38, 1-based): chr5:13,776,490, C>G on the plus strand (G>C on the coding strand, the complement: DNAH5 is on the minus strand). VCF-style: chr5-13776490-C-G. GRCh37 (hg19) VCF-style: chr5-13776599-C-G.
Other names: short protein forms G3108R.
Identifiers: ClinVar variation 4537567 (VCV004537567.2).

ClinVar aggregate classification (germline): Uncertain significance. Review status: criteria provided, multiple submitters, no conflicts (2 of 4 stars). 2 submissions from 2 submitters: Uncertain significance (2). Last evaluated 2025-06-14.

gnomAD v4.1: 60 of 1,613,710 alleles (0.0037%); highest among the groups gnomAD compares: Non-Finnish European, 0.0048%; no homozygotes.

Submissions (2):

GeneDx
Classification: Uncertain significance. Last evaluated: 2025-06-14. Review status: criteria provided, single submitter. Criteria: GeneDx Variant Classification Process June 2021. Collection method: clinical testing. Allele origin: germline. Affected: yes.
Comment: In silico analysis supports that this missense variant has a deleterious effect on protein structure/function; Has not been previously published as pathogenic or benign to our knowledge

Blueprint Genetics
Classification: Uncertain significance. Last evaluated: 2021-06-18. Review status: criteria provided, single submitter. Criteria: ACMG Guidelines, 2015. Collection method: clinical testing. Allele origin: germline.